The following is an entry in ClinVar:

ClinVar aggregate classification (germline): Benign/Likely benign. Review status: criteria provided, multiple submitters, no conflicts (2 of 4 stars). 7 submissions from 7 submitters: Benign (3); Likely benign (4). Last evaluated 2026-04-01.

Conditions:
Polycystic kidney disease, adult type (PKD1). Also called: POLYCYSTIC KIDNEY DISEASE 1 WITH OR WITHOUT POLYCYSTIC LIVER DISEASE; Polycystic Kidney, Autosomal Dominant; Polycystic Kidney Disease 1, Autosomal Dominant; Polycystic kidney disease 1; Polycystic kidney disease 1, severe; POLYCYSTIC KIDNEY DISEASE, ADULT, TYPE I. Identifiers: MedGen C3149841, MONDO:0008263, OMIM 173900.

Allele frequency attached by ClinVar (database versions not stated): TOPMed 0.00026; gnomAD 0.00058 and 0.00070; gnomAD exomes 0.00093; 1000 Genomes Project 30x 0.00109; 1000 Genomes Project 0.00140; ExAC 0.00185.
gnomAD v4.1: 956 of 1,602,450 alleles (0.06%); highest among the groups gnomAD compares: East Asian, 0.87%; 5 homozygotes.

Submissions (7):

CeGaT Center for Human Genetics Tuebingen
Classification: Benign. Last evaluated: 2026-04-01. Review status: criteria provided, single submitter. Criteria: CeGaT Center For Human Genetics Tuebingen Variant Classification Criteria Version 2. Collection method: clinical testing. Allele origin: germline. Affected: yes. Observed: 3 variant alleles.
Comment: PKD1: BP4, BS1, BS2

Women's Health and Genetics/Laboratory Corporation of America, LabCorp
Classification: Benign. Last evaluated: 2025-04-28. Review status: criteria provided, single submitter. Criteria: LabCorp Variant Classification Summary - May 2015. Collection method: clinical testing. Allele origin: germline.
Comment: Variant summary: PKD1 c.9713-4C>T alters a nucleotide located at a position not widely known to affect splicing. The variant allele was found at a frequency of 0.0006 in 1597114 control chromosomes, predominantly at a frequency of 0.0087 within the East Asian subpopulation in the gnomAD database, including 3 homozygotes. The observed variant frequency within East Asian control individuals in the gnomAD database exceeds the estimated maximal expected allele frequency for a pathogenic variant in PKD1 causing PKD1-Biallelic Autosomal Recessive Polycystic Kidney Disease phenotype. The variant, c.9713-4C>T, has been observed in East Asian individuals affected with polycystic kidney disease (Kurashige_2014, Yan_2022), however no supportive evidence for pathogenicity was provided, in addition, in at least one of these patients a co-occurrence with a (likely) pathogenic variant was reported (Kurashige_2014). These reports therefore do not provide unequivocal conclusions about association of the variant with PKD1-Biallelic Autosomal Recessive Polycystic Kidney Disease. To our knowledge, no experimental evidence demonstrating an impact on protein function has been reported. The following publications have been ascertained in the context of this evaluation (PMID: 32355288, 24611717). ClinVar contains an entry for this variant (Variation ID: 1191790). Based on the evidence outlined above, the variant was classified as benign.

Laboratory of Genetics, Children's Clinical University Hospital Latvia
Classification: Likely benign. Last evaluated: 2025-02-16. Review status: criteria provided, single submitter. Criteria: ACMG Guidelines, 2015. Collection method: clinical testing. Allele origin: germline. Affected: yes.

Blueprint Genetics
Classification: Likely benign. Last evaluated: 2024-11-11. Review status: criteria provided, single submitter. Criteria: ACMG Guidelines, 2015. Collection method: clinical testing. Allele origin: germline.

Department of Pathology and Laboratory Medicine, Sinai Health System
Classification: Benign for Polycystic kidney disease, adult type. Last evaluated: 2023-07-05. Review status: criteria provided, single submitter. Criteria: ACMG Guidelines, 2015. Collection method: clinical testing. Allele origin: germline. Affected: yes.

Fulgent Genetics
Classification: Likely benign for Polycystic kidney disease, adult type. Last evaluated: 2021-11-12. Review status: criteria provided, single submitter. Criteria: ACMG Guidelines, 2015. Collection method: clinical testing. Allele origin: unknown.

GeneDx
Classification: Likely benign. Last evaluated: 2021-01-29. Review status: criteria provided, single submitter. Criteria: GeneDx Variant Classification Process June 2021. Collection method: clinical testing. Allele origin: germline. Affected: yes.

Literature cited by the submitters: PubMed 24611717 (cited by Women's Health and Genetics/Laboratory Corporation of America, LabCorp); PubMed 32355288 (cited by Women's Health and Genetics/Laboratory Corporation of America, LabCorp).

NM_001009944.3(PKD1):c.9713-4C>T

Gene: PKD1 (polycystin 1, transient receptor potential channel interacting; minus strand). Cytogenetic location: 16p13.3.
Variant type: single nucleotide variant.
Coding change: c.9713-4C>T on transcript NM_001009944.3 (MANE Select); 4 bases into the intron before coding-DNA position 9713, C replaced by T.
Molecular consequence: intron variant.
Genome position (GRCh38, 1-based): chr16:2,100,075, G>A on the plus strand (C>T on the coding strand, the complement: PKD1 is on the minus strand). VCF-style: chr16-2100075-G-A. GRCh37 (hg19) VCF-style: chr16-2150076-G-A.
Other names: c.9713-4C>T (NM_000296.4, NM_001009944.2).
Identifiers: ClinVar variation 1191790 (VCV001191790.33), dbSNP rs200434097, ClinGen allele CA7829935.
Genomic context (GRCh38, chr16:2,100,075, plus strand): 5'-AGCCACGCTGCAGCTCAGCCACCAGCAGGCGCCGGAAGCGCAAAAGGGCTGCGTCGCCTA[G>A]AAGGCAGGGAGGGCCGCACTGCAGGAGGCCACGGGGCAGGACCACCCTGCCCAACCTCCC-3'